The following is an entry in ClinVar:

NM_139318.5(KCNH5):c.2020A>G (p.Ile674Val)

Gene: KCNH5 (potassium voltage-gated channel subfamily H member 5; minus strand). Cytogenetic location: 14q23.2.
Variant type: single nucleotide variant.
Coding change: c.2020A>G on transcript NM_139318.5 (MANE Select); coding-DNA position 2020, A replaced by G.
Protein change: p.Ile674Val; replaces isoleucine 674 with valine.
Molecular consequence: missense variant.
Genome position (GRCh38, 1-based): chr14:62,708,455, T>C on the plus strand (A>G on the coding strand, the complement: KCNH5 is on the minus strand). VCF-style: chr14-62708455-T-C. GRCh37 (hg19) VCF-style: chr14-63175173-T-C.
Other names: c.1823A>G, p.Asp608Gly (NM_172375.3); short protein forms D608G, I674V.
Identifiers: ClinVar variation 3384521 (VCV003384521.1).

ClinVar aggregate classification (germline): Uncertain significance (1 of 4 stars; one submission).

Submission:

GeneDx
Classification: Uncertain significance. Last evaluated: 2024-06-03. Review status: criteria provided, single submitter. Criteria: GeneDx Variant Classification Process June 2021. Collection method: clinical testing. Allele origin: germline. Affected: yes.
Comment: Not observed at significant frequency in large population cohorts (gnomAD); In silico analysis indicates that this missense variant does not alter protein structure/function; Has not been previously published as pathogenic or benign to our knowledge